The following is an entry in ClinVar:

ClinVar aggregate classification (germline): Uncertain significance. Review status: criteria provided, multiple submitters, no conflicts (2 of 4 stars). 2 submissions from 2 submitters: Uncertain significance (2). Last evaluated 2025-03-11.

Conditions:
Inborn genetic diseases. Identifiers: MedGen C0950123, MeSH D030342.

Allele frequency attached by ClinVar (database versions not stated): TOPMed below 0.00001; gnomAD 0.00001; gnomAD exomes 0.00001; ExAC 0.00002; ESP Exome Variant Server 0.00008; 1000 Genomes Project 30x 0.00016; 1000 Genomes Project 0.00020.
gnomAD v4.1: 7 of 1,614,186 alleles (0.00043%); highest among the groups gnomAD compares: Middle Eastern, 0.017%; no homozygotes.

Submissions (2):

Labcorp Genetics (formerly Invitae), Labcorp
Classification: Uncertain significance. Last evaluated: 2025-03-11. Review status: criteria provided, single submitter. Criteria: Invitae Variant Classification Sherloc (09022015). Collection method: clinical testing. Allele origin: germline.
Comment: This sequence change replaces glycine, which is neutral and non-polar, with glutamic acid, which is acidic and polar, at codon 2396 of the FLNB protein (p.Gly2396Glu). This variant is present in population databases (rs142514904, gnomAD 0.007%). This variant has not been reported in the literature in individuals affected with FLNB-related conditions. ClinVar contains an entry for this variant (Variation ID: 1372344). Invitae Evidence Modeling of protein sequence and biophysical properties (such as structural, functional, and spatial information, amino acid conservation, physicochemical variation, residue mobility, and thermodynamic stability) indicates that this missense variant is not expected to disrupt FLNB protein function with a negative predictive value of 80%. In summary, the available evidence is currently insufficient to determine the role of this variant in disease. Therefore, it has been classified as a Variant of Uncertain Significance.

Ambry Genetics
Classification: Uncertain significance for Inborn genetic diseases. Last evaluated: 2022-10-27. Review status: criteria provided, single submitter. Criteria: Ambry Variant Classification Scheme 2023. Collection method: clinical testing. Allele origin: germline.

NM_001457.4(FLNB):c.7187G>A (p.Gly2396Glu)

Genes: FLNB (filamin B; plus strand), FLNB-AS1 (FLNB antisense RNA 1; minus strand). Cytogenetic location: 3p14.3.
Variant type: single nucleotide variant.
Coding change: c.7187G>A on transcript NM_001457.4 (MANE Select); coding-DNA position 7187, G replaced by A.
Protein change: p.Gly2396Glu; replaces glycine 2396 with glutamic acid.
Molecular consequence: missense variant. On other transcripts: non-coding transcript variant (1).
Genome position (GRCh38, 1-based): chr3:58,163,319, G>A. VCF-style: chr3-58163319-G-A. GRCh37 (hg19) VCF-style: chr3-58149046-G-A.
Other names: c.7280G>A, p.Gly2427Glu (NM_001164317.2); c.7154G>A, p.Gly2385Glu (NM_001164318.2); c.7115G>A, p.Gly2372Glu (NM_001164319.2); c.7187G>A (NM_001457.3); short protein forms G2372E, G2385E, G2396E, G2427E.
Identifiers: ClinVar variation 1372344 (VCV001372344.7), dbSNP rs142514904, ClinGen allele CA2469619.